The following is an entry in ClinVar:

NC_000005.10:g.(?_38481585)_(38530657_?)del

Gene: LIFR (LIF receptor subunit alpha; minus strand). Cytogenetic location: 5p13.1.
Variant type: Deletion.
Identifiers: ClinVar variation 831483 (VCV000831483.5).

ClinVar aggregate classification (germline): Pathogenic (1 of 4 stars; one submission).

Submission:

Labcorp Genetics (formerly Invitae), Labcorp
Classification: Pathogenic. Last evaluated: 2022-02-25. Review status: criteria provided, single submitter. Criteria: Invitae Variant Classification Sherloc (09022015). Collection method: clinical testing. Allele origin: germline.
Comment: A gross deletion of the genomic region encompassing the full coding sequence of the LIFR gene has been identified. Loss-of-function variants in LIFR are known to be pathogenic (PMID: 14740318). The boundaries of this event are unknown as they extend beyond the assayed region for this gene and therefore may encompass additional genes. This variant has not been reported in the literature in individuals affected with LIFR-related conditions. For these reasons, this variant has been classified as Pathogenic.

Literature cited by the submitters: PubMed 14740318.